The following is an entry in ClinVar:

NM_000093.5(COL5A1):c.4599del (p.Gly1534fs)

Genes: COL5A1 (collagen type V alpha 1 chain; plus strand), LOC101448202 (uncharacterized LOC101448202; minus strand). Cytogenetic location: 9q34.3.
Variant type: Deletion.
Coding change: c.4599del on transcript NM_000093.5 (MANE Select); coding-DNA position 4599, one base deleted (T; older notation c.4599delT).
Protein change: p.Gly1534fs; shifts the reading frame from glycine 1534.
Molecular consequence: frameshift variant.
Genome position (GRCh38, 1-based): chr9:134,822,141, T deleted. VCF-style (leftmost placement, unchanged base first): chr9-134822140-CT-C. GRCh37 (hg19) VCF-style: chr9-137713986-CT-C.
Other names: c.4599del, p.Gly1534fs (NM_001278074.1); short protein forms G1534fs.
Identifiers: ClinVar variation 2814128 (VCV002814128.3), dbSNP rs2490865574, ClinGen allele CA2695211562.

ClinVar aggregate classification (germline): Pathogenic (1 of 4 stars; one submission).

Conditions:
Ehlers-Danlos syndrome, classic type, 1 (EDSCL1). Also called: EHLERS-DANLOS SYNDROME, GRAVIS TYPE; EHLERS-DANLOS SYNDROME, SEVERE CLASSIC TYPE; Ehlers-Danlos syndrome, type 1; Ehlers-Danlos Syndrome, Classic Type, COL5A1-Related; EDS I. Identifiers: MedGen C0268335, MONDO:0019567, OMIM 130000.

Submission:

Labcorp Genetics (formerly Invitae), Labcorp
Classification: Pathogenic for Ehlers-Danlos syndrome, classic type, 1. Last evaluated: 2022-11-14. Review status: criteria provided, single submitter. Criteria: Invitae Variant Classification Sherloc (09022015). Collection method: clinical testing. Allele origin: germline.
Comment: This sequence change creates a premature translational stop signal (p.Gly1534Alafs*85) in the COL5A1 gene. It is expected to result in an absent or disrupted protein product. Loss-of-function variants in COL5A1 are known to be pathogenic (PMID: 23587214). This variant is not present in population databases (gnomAD no frequency). This variant has not been reported in the literature in individuals affected with COL5A1-related conditions. For these reasons, this variant has been classified as Pathogenic.

Literature cited by the submitters: PubMed 23587214.